The following is an entry in ClinVar:

NM_001378120.1(MBD5):c.5089G>A (p.Glu1697Lys)

Gene: MBD5 (methyl-CpG binding domain protein 5; plus strand). Cytogenetic location: 2q23.1.
Variant type: single nucleotide variant.
Coding change: c.5089G>A on transcript NM_001378120.1 (MANE Select); coding-DNA position 5089, G replaced by A.
Protein change: p.Glu1697Lys; replaces glutamic acid 1697 with lysine.
Molecular consequence: missense variant.
Genome position (GRCh38, 1-based): chr2:148,510,112, G>A. VCF-style: chr2-148510112-G-A. GRCh37 (hg19) VCF-style: chr2-149267681-G-A.
Other names: c.4390G>A, p.Glu1464Lys (NM_018328.5); short protein forms E1464K, E1697K.
Identifiers: ClinVar variation 3653719 (VCV003653719.2).

ClinVar aggregate classification (germline): Uncertain significance (1 of 4 stars; one submission).

Conditions:
Intellectual developmental disorder, autosomal dominant 1. Also called: MBD5 Haploinsufficiency; Intellectual disability, autosomal dominant 1. Identifiers: Orphanet 228402, MedGen C1969562, MONDO:0007974, OMIM 156200.

Submission:

Labcorp Genetics (formerly Invitae), Labcorp
Classification: Uncertain significance for Intellectual developmental disorder, autosomal dominant 1. Last evaluated: 2024-05-17. Review status: criteria provided, single submitter. Criteria: Invitae Variant Classification Sherloc (09022015). Collection method: clinical testing. Allele origin: germline.
Comment: This sequence change replaces glutamic acid, which is acidic and polar, with lysine, which is basic and polar, at codon 1464 of the MBD5 protein (p.Glu1464Lys). This variant is not present in population databases (gnomAD no frequency). This variant has not been reported in the literature in individuals affected with MBD5-related conditions. Experimental studies and prediction algorithms are not available or were not evaluated, and the functional significance of this variant is currently unknown. In summary, the available evidence is currently insufficient to determine the role of this variant in disease. Therefore, it has been classified as a Variant of Uncertain Significance.